The following is an entry in ClinVar:

NM_007294.4(BRCA1):c.2915G>A (p.Gly972Glu)

Gene: BRCA1 (BRCA1 DNA repair associated; minus strand). Cytogenetic location: 17q21.31.
Variant type: single nucleotide variant.
Coding change: c.2915G>A on transcript NM_007294.4 (MANE Select); coding-DNA position 2915, G replaced by A.
Protein change: p.Gly972Glu; replaces glycine 972 with glutamic acid.
Molecular consequence: missense variant. On other transcripts: intron variant (137).
Genome position (GRCh38, 1-based): chr17:43,092,616, C>T on the plus strand (G>A on the coding strand, the complement: BRCA1 is on the minus strand). VCF-style: chr17-43092616-C-T. GRCh37 (hg19) VCF-style: chr17-41244633-C-T.
Other names: c.524-1584G>A (NM_001408498.1, NM_001408501.1, NM_001408500.1 and 3 more transcripts); c.647-1584G>A (NM_001408467.1, NM_001408459.1, NM_001408455.1 and 11 more transcripts); c.584-1584G>A (NM_001408475.1); c.710-1584G>A (NM_001408412.1, NM_001408409.1, NM_001408414.1 and 2 more transcripts); c.452-1584G>A (NM_001408509.1, NM_001408508.1); c.575-1584G>A (NM_001408491.1, NM_001408493.1, NM_001408490.1); c.461-1584G>A (NM_001408506.1, NM_001408507.1); c.578-1584G>A (NM_001408481.1, NM_001408480.1, NM_001408492.1 and 9 more transcripts); and 41 more; short protein forms G972E, G925E, G804E, G844E, G860E, G931E, G676E, G884E.
Identifiers: ClinVar variation 142793 (VCV000142793.22), dbSNP rs587782721, ClinGen allele CA001902.

ClinVar aggregate classification (germline): Conflicting classifications of pathogenicity. Review status: criteria provided, conflicting classifications (1 of 4 stars). 6 submissions from 6 submitters: Uncertain significance (5); Likely benign (1). Last evaluated 2025-01-22.

Conditions:
Familial cancer of breast. Also called: Hereditary breast cancer; hereditary breast carcinoma; BREAST CANCER, FAMILIAL. Identifiers: Orphanet 227535, MedGen C0346153, MONDO:0016419, OMIM 114480. Disease mechanism: loss of function.
Breast-ovarian cancer, familial, susceptibility to, 1 (BROVCA1). Also called: BRCA1 Hereditary Breast and Ovarian Cancer; OVARIAN CANCER, SUSCEPTIBILITY TO. Identifiers: Orphanet 145, MedGen C2676676, MONDO:0011450, OMIM 604370. Disease mechanism: loss of function.
Fanconi anemia, complementation group S (FANCS). Identifiers: MedGen C4554406, MONDO:0054748, OMIM 617883.
Hereditary cancer-predisposing syndrome. Also called: Tumor predisposition; Hereditary neoplastic syndrome; Hereditary Cancer Syndrome; Neoplastic Syndromes, Hereditary. Identifiers: Orphanet 140162, MedGen C0027672, MeSH D009386, MONDO:0015356.
Hereditary breast ovarian cancer syndrome. Also called: Hereditary breast and/or ovarian cancer syndrome; Breast and ovarian cancer; Hereditary breast and ovarian cancer syndrome; Hereditary breast and ovarian cancer; Hereditary breast and ovarian cancer syndrome (HBOC); BRCA1- and BRCA2-Associated Hereditary Breast and Ovarian Cancer. Identifiers: Orphanet 145, MedGen C0677776, MeSH D061325, MONDO:0003582. Disease mechanism: loss of function.

Allele frequency attached by ClinVar (database versions not stated): gnomAD exomes below 0.00001.
gnomAD v4.1: 1 of 1,613,940 alleles (0.000062%); highest among the groups gnomAD compares: East Asian, 0.0022%; no homozygotes.

Submissions (6):

Labcorp Genetics (formerly Invitae), Labcorp
Classification: Uncertain significance for Hereditary breast ovarian cancer syndrome. Last evaluated: 2025-01-22. Review status: criteria provided, single submitter. Criteria: Invitae Variant Classification Sherloc (09022015). Collection method: clinical testing. Allele origin: germline.
Comment: This sequence change replaces glycine, which is neutral and non-polar, with glutamic acid, which is acidic and polar, at codon 972 of the BRCA1 protein (p.Gly972Glu). This variant is not present in population databases (gnomAD no frequency). This missense change has been observed in individual(s) with breast cancer (PMID: 29905759). ClinVar contains an entry for this variant (Variation ID: 142793). Invitae Evidence Modeling of protein sequence and biophysical properties (such as structural, functional, and spatial information, amino acid conservation, physicochemical variation, residue mobility, and thermodynamic stability) indicates that this missense variant is not expected to disrupt BRCA1 protein function with a negative predictive value of 80%. In summary, the available evidence is currently insufficient to determine the role of this variant in disease. Therefore, it has been classified as a Variant of Uncertain Significance.

Department of Pathology and Laboratory Medicine, Sinai Health System
Classification: Uncertain significance for Familial cancer of breast; Breast-ovarian cancer, familial, susceptibility to, 1; Fanconi anemia, complementation group S. Last evaluated: 2024-03-18. Review status: criteria provided, single submitter. Criteria: ACMG Guidelines, 2015. Collection method: clinical testing. Allele origin: germline. Affected: yes.

GeneDx
Classification: Uncertain significance. Last evaluated: 2024-02-13. Review status: criteria provided, single submitter. Criteria: GeneDx Variant Classification Process June 2021. Collection method: clinical testing. Allele origin: germline. Affected: yes.
Comment: Observed in 1/60466 breast cancer cases and 0/53461 controls in a breast cancer study (PMID: 33471991); In silico analysis supports that this missense variant has a deleterious effect on protein structure/function; Not observed at significant frequency in large population cohorts (gnomAD); Also known as 3034G>A; This variant is associated with the following publications: (PMID: 29884841, 33471991, 32377563, 15343273, 31853058)

Ambry Genetics
Classification: Uncertain significance for Hereditary cancer-predisposing syndrome. Last evaluated: 2023-10-15. Review status: criteria provided, single submitter. Criteria: Ambry Variant Classification Scheme 2023. Collection method: clinical testing. Allele origin: germline.
Comment: The p.G972E variant (also known as c.2915G>A), located in coding exon 9 of the BRCA1 gene, results from a G to A substitution at nucleotide position 2915. The glycine at codon 972 is replaced by glutamic acid, an amino acid with similar properties. This amino acid position is poorly conserved in available vertebrate species. In addition, this alteration is predicted to be tolerated by in silico analysis. Since supporting evidence is limited at this time, the clinical significance of this alteration remains unclear.

University of Washington Department of Laboratory Medicine, University of Washington
Classification: Likely benign for Hereditary cancer-predisposing syndrome. Last evaluated: 2023-03-23. Review status: criteria provided, single submitter. Criteria: Dines et al. (Genet Med. 2020). Collection method: curation. Allele origin: germline.
Comment: Missense variant in a coldspot region where missense variants are very unlikely to be pathogenic (PMID:31911673).

BRCA1 coldspot (exon 11 using historical exon numbering). Reclassification based on statistical prior probability

Color Diagnostics, LLC DBA Color Health
Classification: Uncertain significance for Hereditary cancer-predisposing syndrome. Last evaluated: 2021-08-30. Review status: criteria provided, single submitter. Criteria: ACMG Guidelines, 2015. Collection method: clinical testing. Allele origin: germline.
Comment: This missense variant replaces glycine with glutamic acid at codon 972 of the BRCA1 protein. Computational prediction suggests that this variant may not impact protein structure and function (internally defined REVEL score threshold <= 0.5, PMID: 27666373). To our knowledge, functional studies have not been reported for this variant. This variant has been observed in an individual affected with breast cancer (PMID: 29905759). This variant has not been identified in the general population by the Genome Aggregation Database (gnomAD). The available evidence is insufficient to determine the role of this variant in disease conclusively. Therefore, this variant is classified as a Variant of Uncertain Significance.

Literature cited by the submitters: PubMed 29905759 (cited by 3 submitters); PubMed 33471991 (cited by Department of Pathology and Laboratory Medicine, Sinai Health System).